The following is an entry in ClinVar:

ClinVar aggregate classification (germline): Likely pathogenic (1 of 4 stars; one submission).

Conditions:
OTOG-related disorder. Also called: OTOG-related condition.

Submission:

PreventionGenetics, part of Exact Sciences
Classification: Likely pathogenic for OTOG-related condition. Last evaluated: 2024-12-18. Review status: criteria provided, single submitter. Criteria: ACMG Guidelines, 2015. Collection method: clinical testing. Allele origin: germline.
Comment: The OTOG c.469C>T variant is predicted to result in premature protein termination (p.Gln157*). To our knowledge, this variant has not been reported in the literature or in a large population database (gnomAD), indicating this variant is rare. Nonsense variants in OTOG are expected to be pathogenic. This variant is interpreted as likely pathogenic.

NM_001292063.2(OTOG):c.433C>T (p.Gln145Ter)

Gene: OTOG (otogelin; plus strand). Cytogenetic location: 11p15.1.
Variant type: single nucleotide variant.
Coding change: c.433C>T on transcript NM_001292063.2 (MANE Select); coding-DNA position 433, C replaced by T.
Protein change: p.Gln145Ter; replaces glutamine 145 with a stop codon.
Molecular consequence: nonsense.
Genome position (GRCh38, 1-based): chr11:17,553,412, C>T. VCF-style: chr11-17553412-C-T. GRCh37 (hg19) VCF-style: chr11-17574959-C-T.
Other names: c.469C>T, p.Gln157Ter (NM_001277269.2); short protein forms Q157*, Q145*.
Identifiers: ClinVar variation 4997950 (VCV004997950.1).